The following is an entry in ClinVar:

NM_030665.4(RAI1):c.1574T>G (p.Leu525Arg)

Gene: RAI1 (retinoic acid induced 1; plus strand). Cytogenetic location: 17p11.2.
Variant type: single nucleotide variant.
Coding change: c.1574T>G on transcript NM_030665.4 (MANE Select); coding-DNA position 1574, T replaced by G.
Protein change: p.Leu525Arg; replaces leucine 525 with arginine.
Molecular consequence: missense variant.
Genome position (GRCh38, 1-based): chr17:17,794,522, T>G. VCF-style: chr17-17794522-T-G. GRCh37 (hg19) VCF-style: chr17-17697836-T-G.
Other names: c.1574T>G (NM_030665.3); short protein forms L525R.
Identifiers: ClinVar variation 1466364 (VCV001466364.8), dbSNP rs1167192442, ClinGen allele CA398548698.

ClinVar aggregate classification (germline): Conflicting classifications of pathogenicity. Review status: criteria provided, conflicting classifications (1 of 4 stars). 3 submissions from 3 submitters: Uncertain significance (1); Likely benign (2). Last evaluated 2025-12-08.

Conditions:
RAI1-related disorder. Also called: RAI1-related condition.

Allele frequency attached by ClinVar (database versions not stated): gnomAD exomes below 0.00001.
gnomAD v4.1: 1 of 1,612,780 alleles (0.000062%); highest among the groups gnomAD compares: Admixed American, 0.0017%; no homozygotes.

Submissions (3):

Labcorp Genetics (formerly Invitae), Labcorp
Classification: Likely benign. Last evaluated: 2025-12-08. Review status: criteria provided, single submitter. Criteria: Invitae Variant Classification Sherloc (09022015). Collection method: clinical testing. Allele origin: germline.

PreventionGenetics, part of Exact Sciences
Classification: Uncertain significance for RAI1-related condition. Last evaluated: 2025-07-18. Review status: criteria provided, single submitter. Criteria: ACMG Guidelines, 2015. Collection method: clinical testing. Allele origin: germline.
Comment: The RAI1 c.1574T>G variant is predicted to result in the amino acid substitution p.Leu525Arg. To our knowledge, this variant has not been reported in the literature. This variant is reported in 0.0029% of alleles in individuals of Latino descent in gnomAD. At this time, the clinical significance of this variant is uncertain due to the absence of conclusive functional and genetic evidence.

GeneDx
Classification: Likely benign. Last evaluated: 2025-03-20. Review status: criteria provided, single submitter. Criteria: GeneDx Variant Classification Process June 2021. Collection method: clinical testing. Allele origin: germline.
Comment: See Variant Classification Assertion Criteria.